The following is an entry in ClinVar:

ClinVar aggregate classification (germline): Pathogenic (1 of 4 stars; one submission).

Conditions:
Ataxia-telangiectasia syndrome (AT). Also called: Ataxia-telangiectasia, complementation group E; LOUIS-BAR SYNDROME; Ataxia-telangiectasia, complementation group D; AT, COMPLEMENTATION GROUP C; Ataxia-telangiectasia; Cerebello-oculocutaneous telangiectasia. Identifiers: Orphanet 100, MedGen C0004135, MONDO:0008840, OMIM 208900.

Submission:

Labcorp Genetics (formerly Invitae), Labcorp
Classification: Pathogenic for Ataxia-telangiectasia syndrome. Last evaluated: 2021-10-31. Review status: criteria provided, single submitter. Criteria: Invitae Variant Classification Sherloc (09022015). Collection method: clinical testing. Allele origin: germline.
Comment: This variant is not present in population databases (gnomAD no frequency). This variant has not been reported in the literature in individuals affected with ATM-related conditions. For these reasons, this variant has been classified as Pathogenic. This sequence change creates a premature translational stop signal (p.Asn1149Lysfs*7) in the ATM gene. It is expected to result in an absent or disrupted protein product. Loss-of-function variants in ATM are known to be pathogenic (PMID: 23807571, 25614872).

Literature cited by the submitters: PubMed 23807571; PubMed 25614872.

NM_000051.4(ATM):c.3447del (p.Asn1149fs)

Gene: ATM (ATM serine/threonine kinase; plus strand). Cytogenetic location: 11q22.3.
Variant type: Deletion.
Coding change: c.3447del on transcript NM_000051.4 (MANE Select); coding-DNA position 3447, one base deleted (T; older notation c.3447delT).
Protein change: p.Asn1149fs; shifts the reading frame from asparagine 1149.
Molecular consequence: frameshift variant.
Genome position (GRCh38, 1-based): chr11:108,281,039, T deleted. VCF-style (leftmost placement, unchanged base first): chr11-108281038-AT-A. GRCh37 (hg19) VCF-style: chr11-108151765-AT-A.
Other names: c.3447del, p.Asn1149fs (NM_001351834.2); short protein forms N1149fs.
Identifiers: ClinVar variation 1459708 (VCV001459708.6), dbSNP rs2135666442, ClinGen allele CA2573146462.